The following is an entry in ClinVar:

NM_017636.4(TRPM4):c.682A>G (p.Asn228Asp)

Gene: TRPM4 (transient receptor potential cation channel subfamily M member 4; plus strand). Cytogenetic location: 19q13.33.
Variant type: single nucleotide variant.
Coding change: c.682A>G on transcript NM_017636.4 (MANE Select); coding-DNA position 682, A replaced by G.
Protein change: p.Asn228Asp; replaces asparagine 228 with aspartic acid.
Molecular consequence: missense variant. On other transcripts: 5 prime UTR variant (2).
Genome position (GRCh38, 1-based): chr19:49,168,622, A>G. VCF-style: chr19-49168622-A-G. GRCh37 (hg19) VCF-style: chr19-49671879-A-G.
Other names: c.682A>G, p.Asn228Asp (NM_001195227.2); c.337A>G, p.Asn113Asp (NM_001321281.2); c.-872A>G (NM_001321282.2); c.160A>G, p.Asn54Asp (NM_001321283.2); c.-168A>G (NM_001321285.2); short protein forms N228D, N54D, N113D.
Identifiers: ClinVar variation 3974254 (VCV003974254.1).
Genomic context (GRCh38, chr19:49,168,622, plus strand): 5'-CCTGCGAGGTACCGGTGGCGCGGTGACCCGGAGGACGGGGTCCAGTTTCCCCTGGACTAC[A>G]ACTACTCGGCCTTCTTCCTGGTGGACGACGGCACACACGGCTGCCTGGGGGGCGAGAACC-3'
Protein context (NP_060106.2, residues 218-238): EDGVQFPLDY[Asn228Asp]YSAFFLVDDG

ClinVar aggregate classification (germline): Uncertain significance (1 of 4 stars; one submission).

Conditions:
Cardiovascular phenotype. Identifiers: MedGen CN230736.

gnomAD v4.1: 6 of 1,613,620 alleles (0.00037%); highest among the groups gnomAD compares: Non-Finnish European, 0.00051%; no homozygotes.

Submission:

Ambry Genetics
Classification: Uncertain significance for Cardiovascular phenotype. Last evaluated: 2025-04-13. Review status: criteria provided, single submitter. Criteria: Ambry Variant Classification Scheme 2023. Collection method: clinical testing. Allele origin: germline.
Comment: The p.N228D variant (also known as c.682A>G), located in coding exon 6 of the TRPM4 gene, results from an A to G substitution at nucleotide position 682. The asparagine at codon 228 is replaced by aspartic acid, an amino acid with highly similar properties. This amino acid position is conserved. In addition, this alteration is predicted to be tolerated by in silico analysis. Based on the available evidence, the clinical significance of this variant remains unclear.